The following is an entry in ClinVar:

NM_000548.5(TSC2):c.2899A>G (p.Lys967Glu)

Gene: TSC2 (TSC complex subunit 2; plus strand). Cytogenetic location: 16p13.3.
Variant type: single nucleotide variant.
Coding change: c.2899A>G on transcript NM_000548.5 (MANE Select); coding-DNA position 2899, A replaced by G.
Protein change: p.Lys967Glu; replaces lysine 967 with glutamic acid.
Molecular consequence: missense variant. On other transcripts: intron variant (9).
Genome position (GRCh38, 1-based): chr16:2,077,659, A>G. VCF-style: chr16-2077659-A-G. GRCh37 (hg19) VCF-style: chr16-2127660-A-G.
Other names: c.2899A>G, p.Lys967Glu (NM_001114382.3, NM_001406663.1, NM_001406664.1); c.2788A>G, p.Lys930Glu (NM_001406670.1); c.2752A>G, p.Lys918Glu (NM_001406675.1, NM_001406676.1); c.2299A>G, p.Lys767Glu (NM_001406680.1, NM_001406682.1, NM_001406683.1 and 1 more transcripts); c.1555A>G, p.Lys519Glu (NM_001406689.1); c.2837+1074A>G (NM_021055.3, NM_001370405.1, NM_001363528.2 and 2 more transcripts); c.2726+1074A>G (NM_001318827.2); c.2237+1074A>G (NM_001318831.2); and 2 more; short protein forms K930E, K918E, K967E, K519E, K767E.
Identifiers: ClinVar variation 2141886 (VCV002141886.4), dbSNP rs2151414911, ClinGen allele CA394281158.
Genomic context (GRCh38, chr16:2,077,659, plus strand): 5'-CTGAGGATAGCCAGACCCCCCAAACAAGGCTTGAATAACTCTCCACCCGTGAAAGAATTC[A>G]AGGAGAGCTCTGCAGCCGAGGCCTTCCGGTGCCGCAGCATCAGTGTGTCTGAACATGTGG-3'
Protein context (NP_000539.2, residues 957-977): LNNSPPVKEF[Lys967Glu]ESSAAEAFRC

ClinVar aggregate classification (germline): Uncertain significance (1 of 4 stars; one submission).

Conditions:
Tuberous sclerosis 2 (TSC2). Identifiers: Orphanet 805, MedGen C1860707, MONDO:0013199, OMIM 613254.

Submission:

Labcorp Genetics (formerly Invitae), Labcorp
Classification: Uncertain significance for Tuberous sclerosis 2. Last evaluated: 2022-08-27. Review status: criteria provided, single submitter. Criteria: Invitae Variant Classification Sherloc (09022015). Collection method: clinical testing. Allele origin: germline.
Comment: This variant is not present in population databases (gnomAD no frequency). This sequence change replaces lysine, which is basic and polar, with glutamic acid, which is acidic and polar, at codon 967 of the TSC2 protein (p.Lys967Glu). This variant has not been reported in the literature in individuals affected with TSC2-related conditions. In summary, the available evidence is currently insufficient to determine the role of this variant in disease. Therefore, it has been classified as a Variant of Uncertain Significance. Advanced modeling of protein sequence and biophysical properties (such as structural, functional, and spatial information, amino acid conservation, physicochemical variation, residue mobility, and thermodynamic stability) performed at Invitae indicates that this missense variant is not expected to disrupt TSC2 protein function.